The following is an entry in ClinVar:

ClinVar aggregate classification (germline): Benign. Review status: criteria provided, multiple submitters, no conflicts (2 of 4 stars). 8 submissions from 7 submitters: Benign (8). Last evaluated 2026-02-02.

Conditions:
Seckel syndrome 4 (SCKL4). Identifiers: Orphanet 808, MedGen C3888212, MONDO:0013358, OMIM 613676.
Microcephaly 6, primary, autosomal recessive. Identifiers: Orphanet 2512, MedGen C1842109, MONDO:0012029, OMIM 608393.

Allele frequency attached by ClinVar (database versions not stated): ESP Exome Variant Server 0.00154; gnomAD 0.01708 and 0.01828; TOPMed 0.02768; ExAC 0.02869; 1000 Genomes Project 0.03175; 1000 Genomes Project 30x 0.03232; gnomAD exomes 0.03712.
gnomAD v4.1: 17,406 of 1,613,606 alleles (1.1%); highest among the groups gnomAD compares: Admixed American, 18%; 1,463 homozygotes.

Submissions (8):

Labcorp Genetics (formerly Invitae), Labcorp
Classification: Benign. Last evaluated: 2026-02-02. Review status: criteria provided, single submitter. Criteria: Invitae Variant Classification Sherloc (09022015). Collection method: clinical testing. Allele origin: germline.

Blueprint Genetics
Classification: Benign. Last evaluated: 2024-11-25. Review status: criteria provided, single submitter. Criteria: ACMG Guidelines, 2015. Collection method: clinical testing. Allele origin: germline.

Illumina Laboratory Services, Illumina
Classification: Benign for Seckel syndrome 4. Last evaluated: 2018-01-12. Review status: criteria provided, single submitter. Criteria: ICSL Variant Classification Criteria 13 December 2019. Collection method: clinical testing. Allele origin: germline.
Comment: This variant was observed in the ICSL laboratory as part of a predisposition screen in an ostensibly healthy population. It had not been previously curated by ICSL or reported in the Human Gene Mutation Database (HGMD: prior to June 1st, 2018), and was therefore a candidate for classification through an automated scoring system. Utilizing variant allele frequency, disease prevalence and penetrance estimates, and inheritance mode, an automated score was calculated to assess if this variant is too frequent to cause the disease. Based on the score and internal cut-off values, a variant classified as benign is not then subjected to further curation. The score for this variant resulted in a classification of benign for this disease.

Illumina Laboratory Services, Illumina
Classification: Benign for Microcephaly 6, primary, autosomal recessive. Last evaluated: 2018-01-12. Review status: criteria provided, single submitter. Criteria: ICSL Variant Classification Criteria 13 December 2019. Collection method: clinical testing. Allele origin: germline.
Comment: the same text as in the submission from Illumina Laboratory Services, Illumina above.

GeneDx
Classification: Benign. Last evaluated: 2015-03-03. Review status: criteria provided, single submitter. Criteria: GeneDx Variant Classification Process June 2021. Collection method: clinical testing. Allele origin: germline. Affected: yes.

Eurofins Ntd Llc (ga)
Classification: Benign. Last evaluated: 2015-02-23. Review status: criteria provided, single submitter. Criteria: EGL Classification Definitions 2015. Collection method: clinical testing. Allele origin: germline. Observed: 3 variant alleles, 3 heterozygotes.

Genetic Services Laboratory, University of Chicago
Classification: Benign. Last evaluated: 2013-02-08. Review status: criteria provided, single submitter. Criteria: ACMG Guidelines, 2007. Collection method: clinical testing. Allele origin: germline. Inheritance: Autosomal recessive inheritance.

Breakthrough Genomics
Classification: Benign. Review status: criteria provided, single submitter. Criteria: ACMG Guidelines, 2015. Collection method: not provided. Allele origin: germline. Inheritance: Autosomal recessive inheritance. Affected: yes.

NM_018451.5(CPAP):c.1881G>A (p.Pro627=)

Gene: CPAP (centrosome assembly and centriole elongation protein; minus strand). Cytogenetic location: 13q12.13.
Variant type: single nucleotide variant.
Coding change: c.1881G>A on transcript NM_018451.5 (MANE Select); coding-DNA position 1881, G replaced by A.
Protein change: p.Pro627=; no amino-acid change (proline 627 retained).
Molecular consequence: synonymous variant. On other transcripts: non-coding transcript variant (2).
Genome position (GRCh38, 1-based): chr13:24,906,157, C>T on the plus strand (G>A on the coding strand, the complement: CPAP is on the minus strand). VCF-style: chr13-24906157-C-T. GRCh37 (hg19) VCF-style: chr13-25480295-C-T.
Identifiers: ClinVar variation 95909 (VCV000095909.24), dbSNP rs75985315, ClinGen allele CA171678.
Genomic context (GRCh38, chr13:24,906,157, plus strand): 5'-CTTCTCACGTGCAGTGTGGTCCAAATCCTCACTGCGGTTACAATGACTAATGGGATCTGC[C>T]GGATTTGTCTTCTGTGGCACAGCTTTGACAGGGGTGGAAGACATCCGGTGACCTTTGCAG-3'
Protein context (NP_060921.3, residues 617-637): PVKAVPQKTN[Pro627=]ADPISHCNRS